The following is an entry in ClinVar:

ClinVar aggregate classification (germline): Uncertain significance (1 of 4 stars; one submission).

Conditions:
Cardiovascular phenotype. Identifiers: MedGen CN230736.

Allele frequency attached by ClinVar (database versions not stated): gnomAD exomes below 0.00001.
gnomAD v4.1: 2 of 1,612,332 alleles (0.00012%); highest among the groups gnomAD compares: Non-Finnish European, 0.00017%; no homozygotes.

Submission:

Ambry Genetics
Classification: Uncertain significance for Cardiovascular phenotype. Last evaluated: 2023-04-30. Review status: criteria provided, single submitter. Criteria: Ambry Variant Classification Scheme 2023. Collection method: clinical testing. Allele origin: germline.
Comment: The p.L197F variant (also known as c.589C>T), located in coding exon 5 of the ABCG8 gene, results from a C to T substitution at nucleotide position 589. The leucine at codon 197 is replaced by phenylalanine, an amino acid with highly similar properties. This amino acid position is conserved. In addition, the in silico prediction for this alteration is inconclusive. Since supporting evidence is limited at this time, the clinical significance of this alteration remains unclear.

NM_022437.3(ABCG8):c.589C>T (p.Leu197Phe)

Gene: ABCG8 (ATP binding cassette subfamily G member 8; plus strand). Cytogenetic location: 2p21.
Variant type: single nucleotide variant.
Coding change: c.589C>T on transcript NM_022437.3 (MANE Select); coding-DNA position 589, C replaced by T.
Protein change: p.Leu197Phe; replaces leucine 197 with phenylalanine.
Molecular consequence: missense variant.
Genome position (GRCh38, 1-based): chr2:43,852,381, C>T. VCF-style: chr2-43852381-C-T. GRCh37 (hg19) VCF-style: chr2-44079520-C-T.
Other names: c.589C>T, p.Leu197Phe (NM_001357321.2); short protein forms L197F.
Identifiers: ClinVar variation 2562087 (VCV002562087.2), dbSNP rs2466201684, ClinGen allele CA346665969.